The following is an entry in ClinVar:

NM_000124.4(ERCC6):c.2286+2T>C

Gene: ERCC6 (ERCC excision repair 6, chromatin remodeling factor; minus strand). Cytogenetic location: 10q11.23.
Variant type: single nucleotide variant.
Coding change: c.2286+2T>C on transcript NM_000124.4 (MANE Select); the canonical splice donor site of the intron after coding-DNA position 2286, T replaced by C.
Molecular consequence: splice donor variant.
Genome position (GRCh38, 1-based): chr10:49,478,352, A>G on the plus strand (T>C on the coding strand, the complement: ERCC6 is on the minus strand). VCF-style: chr10-49478352-A-G. GRCh37 (hg19) VCF-style: chr10-50686398-A-G.
Other names: c.2286+2T>C (NM_001346440.2).
Identifiers: ClinVar variation 3638403 (VCV003638403.2).

ClinVar aggregate classification (germline): Likely pathogenic (1 of 4 stars; one submission).

Submission:

Labcorp Genetics (formerly Invitae), Labcorp
Classification: Likely pathogenic. Last evaluated: 2024-02-02. Review status: criteria provided, single submitter. Criteria: Invitae Variant Classification Sherloc (09022015). Collection method: clinical testing. Allele origin: germline.
Comment: This sequence change affects a donor splice site in intron 11 of the ERCC6 gene. It is expected to disrupt RNA splicing. Variants that disrupt the donor or acceptor splice site typically lead to a loss of protein function (PMID: 16199547), and loss-of-function variants in ERCC6 are known to be pathogenic (PMID: 18628313, 29572252). This variant is not present in population databases (gnomAD no frequency). This variant has not been reported in the literature in individuals affected with ERCC6-related conditions. Algorithms developed to predict the effect of sequence changes on RNA splicing suggest that this variant may disrupt the consensus splice site. In summary, the currently available evidence indicates that the variant is pathogenic, but additional data are needed to prove that conclusively. Therefore, this variant has been classified as Likely Pathogenic.

Literature cited by the submitters: PubMed 16199547; PubMed 18628313; PubMed 29572252.